The following is an entry in ClinVar:

ClinVar aggregate classification (germline): Conflicting classifications of pathogenicity. Review status: criteria provided, conflicting classifications (1 of 4 stars). 5 submissions from 5 submitters: Uncertain significance (4); Likely benign (1). Last evaluated 2025-08-17.

Conditions:
Hereditary cancer-predisposing syndrome. Also called: Neoplastic Syndromes, Hereditary; Tumor predisposition; Hereditary Cancer Syndrome; Hereditary neoplastic syndrome. Identifiers: Orphanet 140162, MedGen C0027672, MeSH D009386, MONDO:0015356.
Familial cancer of breast. Also called: BREAST CANCER, FAMILIAL; hereditary breast carcinoma; Hereditary breast cancer. Identifiers: Orphanet 227535, MedGen C0346153, MONDO:0016419, OMIM 114480. Disease mechanism: loss of function.

gnomAD v4.1: 3 of 1,614,072 alleles (0.00019%); highest among the groups gnomAD compares: South Asian, 0.0033%; no homozygotes.

Submissions (5):

Labcorp Genetics (formerly Invitae), Labcorp
Classification: Uncertain significance for Familial cancer of breast. Last evaluated: 2025-08-17. Review status: criteria provided, single submitter. Criteria: Invitae Variant Classification Sherloc (09022015). Collection method: clinical testing. Allele origin: germline.
Comment: This sequence change replaces methionine, which is neutral and non-polar, with leucine, which is neutral and non-polar, at codon 383 of the BARD1 protein (p.Met383Leu). This variant is present in population databases (rs761516178, gnomAD 0.003%). This variant has not been reported in the literature in individuals affected with BARD1-related conditions. ClinVar contains an entry for this variant (Variation ID: 460690). An algorithm developed to predict the effect of missense changes on protein structure and function outputs the following: PolyPhen-2: "Benign". The leucine amino acid residue is found in multiple mammalian species, which suggests that this missense change does not adversely affect protein function. In summary, the available evidence is currently insufficient to determine the role of this variant in disease. Therefore, it has been classified as a Variant of Uncertain Significance.

Color Diagnostics, LLC DBA Color Health
Classification: Uncertain significance for Hereditary cancer-predisposing syndrome. Last evaluated: 2024-04-01. Review status: criteria provided, single submitter. Criteria: ACMG Guidelines, 2015. Collection method: clinical testing. Allele origin: germline.
Comment: This missense variant replaces methionine with leucine at codon 383 of the BARD1 protein. Computational prediction suggests that this variant may not impact protein structure and function (internally defined REVEL score threshold <= 0.5, PMID: 27666373). To our knowledge, functional studies have not been reported for this variant. This variant has not been reported in individuals affected with BARD1-related disorders in the literature. This variant has been identified in 1/251276 chromosomes in the general population by the Genome Aggregation Database (gnomAD). The available evidence is insufficient to determine the role of this variant in disease conclusively. Therefore, this variant is classified as a Variant of Uncertain Significance.

GeneDx
Classification: Uncertain significance. Last evaluated: 2024-03-06. Review status: criteria provided, single submitter. Criteria: GeneDx Variant Classification Process June 2021. Collection method: clinical testing. Allele origin: germline. Affected: yes.
Comment: Not observed at significant frequency in large population cohorts (gnomAD); In silico analysis supports that this missense variant does not alter protein structure/function; Has not been previously published as pathogenic or benign to our knowledge

Illumina Laboratory Services, Illumina
Classification: Uncertain significance for Familial cancer of breast. Last evaluated: 2018-01-12. Review status: criteria provided, single submitter. Criteria: ICSL Variant Classification Criteria 13 December 2019. Collection method: clinical testing. Allele origin: germline.

Ambry Genetics
Classification: Likely benign for Hereditary cancer-predisposing syndrome. Last evaluated: 2017-05-23. Review status: criteria provided, single submitter. Criteria: Ambry Variant Classification Scheme 2023. Collection method: clinical testing. Allele origin: germline.

NM_000465.4(BARD1):c.1147A>T (p.Met383Leu)

Gene: BARD1 (BRCA1 associated RING domain 1; minus strand). Cytogenetic location: 2q35.
Variant type: single nucleotide variant.
Coding change: c.1147A>T on transcript NM_000465.4 (MANE Select); coding-DNA position 1147, A replaced by T.
Protein change: p.Met383Leu; replaces methionine 383 with leucine.
Molecular consequence: missense variant. On other transcripts: non-coding transcript variant (2), intron variant (3).
Genome position (GRCh38, 1-based): chr2:214,780,727, T>A on the plus strand (A>T on the coding strand, the complement: BARD1 is on the minus strand). VCF-style: chr2-214780727-T-A. GRCh37 (hg19) VCF-style: chr2-215645451-T-A.
Other names: c.1090A>T, p.Met364Leu (NM_001282543.2); c.159-28172A>T (NM_001282548.2); c.215+16334A>T (NM_001282545.2); c.364+11570A>T (NM_001282549.2); short protein forms M383L, M364L.
Identifiers: ClinVar variation 460690 (VCV000460690.24), dbSNP rs761516178, ClinGen allele CA2090337.